The following is an entry in ClinVar:

ClinVar aggregate classification (germline): Conflicting classifications of pathogenicity. Review status: criteria provided, conflicting classifications (1 of 4 stars). 4 submissions from 4 submitters: Uncertain significance (1); Benign (1); Likely benign (1). 1 of the submissions does not count toward it. Last evaluated 2026-01-25.

Conditions:
STX11-related disorder. Also called: STX11-related condition.
Familial hemophagocytic lymphohistiocytosis 4 (FHL4). Also called: STX11-Related Familial Hemophagocytic Lymphohistiocytosis (STX11-fHLH). Identifiers: Orphanet 540, MedGen C1863728, MONDO:0011336, OMIM 603552.

Allele frequency attached by ClinVar (database versions not stated): gnomAD exomes 0.00006 and 0.00018; ExAC 0.00023; 1000 Genomes Project 30x 0.00047; 1000 Genomes Project 0.00060; gnomAD 0.00064 and 0.00073; TOPMed 0.00087; ESP Exome Variant Server 0.00092.

Submissions (4):

Labcorp Genetics (formerly Invitae), Labcorp
Classification: Benign for Familial hemophagocytic lymphohistiocytosis 4. Last evaluated: 2026-01-25. Review status: criteria provided, single submitter. Criteria: Invitae Variant Classification Sherloc (09022015). Collection method: clinical testing. Allele origin: germline.

Blueprint Genetics
Classification: Likely benign. Last evaluated: 2023-07-13. Review status: criteria provided, single submitter. Criteria: ACMG Guidelines, 2015. Collection method: clinical testing. Allele origin: germline.

Illumina Laboratory Services, Illumina
Classification: Uncertain significance for Familial hemophagocytic lymphohistiocytosis 4. Last evaluated: 2018-01-13. Review status: criteria provided, single submitter. Criteria: ICSL Variant Classification Criteria 13 December 2019. Collection method: clinical testing. Allele origin: germline.

PreventionGenetics, part of Exact Sciences
Classification: Likely benign for STX11-related condition. Last evaluated: 2024-01-16. Review status: no assertion criteria provided. Collection method: clinical testing. Allele origin: germline. Not counted in ClinVar's aggregate classification.
Comment: This variant is classified as likely benign based on ACMG/AMP sequence variant interpretation guidelines (Richards et al. 2015 PMID: 25741868, with internal and published modifications).

NM_003764.4(STX11):c.681C>T (p.Leu227=)

Gene: STX11 (syntaxin 11; plus strand). Cytogenetic location: 6q24.2.
Variant type: single nucleotide variant.
Coding change: c.681C>T on transcript NM_003764.4 (MANE Select); coding-DNA position 681, C replaced by T.
Protein change: p.Leu227=; no amino-acid change (leucine 227 retained).
Molecular consequence: synonymous variant.
Genome position (GRCh38, 1-based): chr6:144,187,308, C>T. VCF-style: chr6-144187308-C-T. GRCh37 (hg19) VCF-style: chr6-144508445-C-T.
Identifiers: ClinVar variation 791755 (VCV000791755.16), dbSNP rs145774130, ClinGen allele CA4031764.